The following is an entry in ClinVar:

ClinVar aggregate classification (germline): Uncertain significance (1 of 4 stars; one submission).

Conditions:
Inborn genetic diseases. Identifiers: MedGen C0950123, MeSH D030342.

gnomAD v4.1: 1 of 1,613,964 alleles (0.000062%); no homozygotes.

Submission:

Ambry Genetics
Classification: Uncertain significance for Inborn genetic diseases. Last evaluated: 2023-09-11. Review status: criteria provided, single submitter. Criteria: Ambry Variant Classification Scheme 2023. Collection method: clinical testing. Allele origin: germline.
Comment: The p.C696W variant (also known as c.2088C>G), located in coding exon 18 of the LRRK2 gene, results from a C to G substitution at nucleotide position 2088. The cysteine at codon 696 is replaced by tryptophan, an amino acid with highly dissimilar properties. This amino acid position is conserved. In addition, this alteration is predicted to be deleterious by in silico analysis. Since supporting evidence is limited at this time, the clinical significance of this alteration remains unclear.

NM_198578.4(LRRK2):c.2088C>G (p.Cys696Trp)

Gene: LRRK2 (leucine rich repeat kinase 2; plus strand). Cytogenetic location: 12q12.
Variant type: single nucleotide variant.
Coding change: c.2088C>G on transcript NM_198578.4 (MANE Select); coding-DNA position 2088, C replaced by G.
Protein change: p.Cys696Trp; replaces cysteine 696 with tryptophan.
Molecular consequence: missense variant.
Genome position (GRCh38, 1-based): chr12:40,278,108, C>G. VCF-style: chr12-40278108-C-G. GRCh37 (hg19) VCF-style: chr12-40671910-C-G.
Other names: short protein forms C696W.
Identifiers: ClinVar variation 2608908 (VCV002608908.2), dbSNP rs1943537372, ClinGen allele CA384404965.